The following is an entry in ClinVar:

ClinVar aggregate classification (germline): Uncertain significance (1 of 4 stars; one submission).

Conditions:
Global developmental delay with speech and behavioral abnormalities. Identifiers: MedGen C5543226, MONDO:0030995, OMIM 619243.

Submission:

Foundation for Research in Genetics and Endocrinology, FRIGE's Institute of Human Genetics
Classification: Uncertain significance for Global developmental delay with speech and behavioral abnormalities. Last evaluated: 2024-05-31. Review status: criteria provided, single submitter. Criteria: ACMG Guidelines, 2015. Collection method: clinical testing. Allele origin: germline. Inheritance: Autosomal dominant inheritance. Affected: yes. Observed: 1 heterozygote.
Comment: A heterozygous missense variant in exon 20 of the TNRC6B gene that results in the amino acid substitution of Alanine for Proline at codon 1573 (p.Pro1573Ala) was detected. The variant has not been reported in the 1000 genomes, gnomAD (v3.1), gnomdAD (v2.1) and topmed databases. The in-silico prediction of the variant is damaging by PolyPhen-2 (HumDiv), SIFT, LRT and MutationTaster2. The reference codon is conserved across species. In summary, the variant meets our criteria to be classified as variant of uncertain significance.

NM_001162501.2(TNRC6B):c.4717C>G (p.Pro1573Ala)

Gene: TNRC6B (trinucleotide repeat containing adaptor 6B; plus strand). Cytogenetic location: 22q13.1.
Variant type: single nucleotide variant.
Coding change: c.4717C>G on transcript NM_001162501.2 (MANE Select); coding-DNA position 4717, C replaced by G.
Protein change: p.Pro1573Ala; replaces proline 1573 with alanine.
Molecular consequence: missense variant.
Genome position (GRCh38, 1-based): chr22:40,315,321, C>G. VCF-style: chr22-40315321-C-G. GRCh37 (hg19) VCF-style: chr22-40711325-C-G.
Other names: p.Pro1573Ala; c.2305C>G, p.Pro769Ala (NM_001024843.2); c.4387C>G, p.Pro1463Ala (NM_015088.3); short protein forms P1463A, P1573A, P769A.
Identifiers: ClinVar variation 3237365 (VCV003237365.2), dbSNP rs2518045882.